The following is an entry in ClinVar:

ClinVar aggregate classification (germline): Likely benign. Review status: criteria provided, multiple submitters, no conflicts (2 of 4 stars). 2 submissions from 2 submitters: Likely benign (2). Last evaluated 2026-09-01.

Allele frequency attached by ClinVar (database versions not stated): 1000 Genomes Project 30x 0.00187; 1000 Genomes Project 0.00220; gnomAD 0.00266 and 0.00286; gnomAD exomes 0.00315 and 0.00449; ExAC 0.00318; TOPMed 0.00328; ESP Exome Variant Server 0.00431.
gnomAD v4.1: 6,500 of 1,494,070 alleles (0.44%); highest among the groups gnomAD compares: Non-Finnish European, 0.5%; 31 homozygotes.

Submissions (2):

CeGaT Center for Human Genetics Tuebingen
Classification: Likely benign. Last evaluated: 2026-09-01. Review status: criteria provided, single submitter. Criteria: CeGaT Center For Human Genetics Tuebingen Variant Classification Criteria Version 2. Collection method: clinical testing. Allele origin: germline. Affected: yes. Observed: 12 variant alleles.
Comment: POLR3A: BS2

Breakthrough Genomics
Classification: Likely benign. Review status: criteria provided, single submitter. Criteria: ACMG Guidelines, 2015. Collection method: not provided. Allele origin: germline. Inheritance: Autosomal recessive inheritance. Affected: yes.

NM_007055.4(POLR3A):c.3337-30G>A

Gene: POLR3A (RNA polymerase III subunit A; minus strand). Cytogenetic location: 10q22.3.
Variant type: single nucleotide variant.
Coding change: c.3337-30G>A on transcript NM_007055.4 (MANE Select); 30 bases into the intron before coding-DNA position 3337, G replaced by A.
Molecular consequence: intron variant.
Genome position (GRCh38, 1-based): chr10:77,984,042, C>T on the plus strand (G>A on the coding strand, the complement: POLR3A is on the minus strand). VCF-style: chr10-77984042-C-T. GRCh37 (hg19) VCF-style: chr10-79743800-C-T.
Identifiers: ClinVar variation 1298490 (VCV001298490.35), dbSNP rs147432721, ClinGen allele CA5570864.